The following is an entry in ClinVar:

NM_199420.4(POLQ):c.6164A>G (p.Asn2055Ser)

Gene: POLQ (DNA polymerase theta; minus strand). Cytogenetic location: 3q13.33.
Variant type: single nucleotide variant.
Coding change: c.6164A>G on transcript NM_199420.4 (MANE Select); coding-DNA position 6164, A replaced by G.
Protein change: p.Asn2055Ser; replaces asparagine 2055 with serine.
Molecular consequence: missense variant.
Genome position (GRCh38, 1-based): chr3:121,481,619, T>C on the plus strand (A>G on the coding strand, the complement: POLQ is on the minus strand). VCF-style: chr3-121481619-T-C. GRCh37 (hg19) VCF-style: chr3-121200466-T-C.
Other names: short protein forms N2055S.
Identifiers: ClinVar variation 1751967 (VCV001751967.2), dbSNP rs752471198, ClinGen allele CA2562553.

ClinVar aggregate classification (germline): Uncertain significance (1 of 4 stars; one submission).

Allele frequency attached by ClinVar (database versions not stated): gnomAD exomes 0.00001; ExAC 0.00002.
gnomAD v4.1: 14 of 1,613,464 alleles (0.00087%); highest among the groups gnomAD compares: Middle Eastern, 0.017%; no homozygotes.

Submission:

Ambry Genetics
Classification: Uncertain significance. Last evaluated: 2024-03-23. Review status: criteria provided, single submitter. Criteria: Ambry Variant Classification Scheme 2023. Collection method: clinical testing. Allele origin: germline.
Comment: The p.N2055S variant (also known as c.6164A>G), located in coding exon 19 of the POLQ gene, results from an A to G substitution at nucleotide position 6164. The asparagine at codon 2055 is replaced by serine, an amino acid with highly similar properties. This amino acid position is conserved. In addition, this alteration is predicted to be tolerated by in silico analysis. Since supporting evidence is limited at this time, the clinical significance of this alteration remains unclear.